The following is an entry in ClinVar:

NM_020693.4(DSCAML1):c.5565G>A (p.Met1855Ile)

Gene: DSCAML1 (DS cell adhesion molecule like 1; minus strand). Cytogenetic location: 11q23.3.
Variant type: single nucleotide variant.
Coding change: c.5565G>A on transcript NM_020693.4 (MANE Select); coding-DNA position 5565, G replaced by A.
Protein change: p.Met1855Ile; replaces methionine 1855 with isoleucine.
Molecular consequence: missense variant.
Genome position (GRCh38, 1-based): chr11:117,430,843, C>T on the plus strand (G>A on the coding strand, the complement: DSCAML1 is on the minus strand). VCF-style: chr11-117430843-C-T. GRCh37 (hg19) VCF-style: chr11-117301559-C-T.
Other names: short protein forms M1855I.
Identifiers: ClinVar variation 2024442 (VCV002024442.4), dbSNP rs373231383, ClinGen allele CA382752696.

ClinVar aggregate classification (germline): Uncertain significance (1 of 4 stars; one submission).

Submission:

Labcorp Genetics (formerly Invitae), Labcorp
Classification: Uncertain significance. Last evaluated: 2024-11-11. Review status: criteria provided, single submitter. Criteria: Invitae Variant Classification Sherloc (09022015). Collection method: clinical testing. Allele origin: germline.
Comment: This sequence change replaces methionine, which is neutral and non-polar, with isoleucine, which is neutral and non-polar, at codon 1915 of the DSCAML1 protein (p.Met1915Ile). This variant is not present in population databases (gnomAD no frequency). This variant has not been reported in the literature in individuals affected with DSCAML1-related conditions. ClinVar contains an entry for this variant (Variation ID: 2024442). An algorithm developed to predict the effect of missense changes on protein structure and function (PolyPhen-2) suggests that this variant is likely to be tolerated. In summary, the available evidence is currently insufficient to determine the role of this variant in disease. Therefore, it has been classified as a Variant of Uncertain Significance.